The following is an entry in ClinVar:

NM_031220.4(PITPNM3):c.565G>C (p.Glu189Gln)

Gene: PITPNM3 (PITPNM family member 3; minus strand). Cytogenetic location: 17p13.2.
Variant type: single nucleotide variant.
Coding change: c.565G>C on transcript NM_031220.4 (MANE Select); coding-DNA position 565, G replaced by C.
Protein change: p.Glu189Gln; replaces glutamic acid 189 with glutamine.
Molecular consequence: missense variant.
Genome position (GRCh38, 1-based): chr17:6,483,539, C>G on the plus strand (G>C on the coding strand, the complement: PITPNM3 is on the minus strand). VCF-style: chr17-6483539-C-G. GRCh37 (hg19) VCF-style: chr17-6386859-C-G.
Other names: c.457G>C, p.Glu153Gln (NM_001165966.2); short protein forms E153Q, E189Q.
Identifiers: ClinVar variation 959348 (VCV000959348.10), dbSNP rs1173738004, ClinGen allele CA397410531.

ClinVar aggregate classification (germline): Uncertain significance (1 of 4 stars; one submission).

Allele frequency attached by ClinVar (database versions not stated): gnomAD exomes below 0.00001.
gnomAD v4.1: 6 of 1,613,944 alleles (0.00037%); highest among the groups gnomAD compares: Non-Finnish European, 0.00051%; no homozygotes.

Submission:

Labcorp Genetics (formerly Invitae), Labcorp
Classification: Uncertain significance. Last evaluated: 2022-03-10. Review status: criteria provided, single submitter. Criteria: Invitae Variant Classification Sherloc (09022015). Collection method: clinical testing. Allele origin: germline.
Comment: In summary, the available evidence is currently insufficient to determine the role of this variant in disease. Therefore, it has been classified as a Variant of Uncertain Significance. Algorithms developed to predict the effect of sequence changes on RNA splicing suggest that this variant may create or strengthen a splice site. Algorithms developed to predict the effect of missense changes on protein structure and function output the following: SIFT: "Tolerated"; PolyPhen-2: "Benign"; Align-GVGD: "Class C0". The glutamine amino acid residue is found in multiple mammalian species, which suggests that this missense change does not adversely affect protein function. ClinVar contains an entry for this variant (Variation ID: 959348). This variant has not been reported in the literature in individuals affected with PITPNM3-related conditions. This variant is present in population databases (no rsID available, gnomAD 0.0009%). This sequence change replaces glutamic acid, which is acidic and polar, with glutamine, which is neutral and polar, at codon 189 of the PITPNM3 protein (p.Glu189Gln).